The following is an entry in ClinVar:

NM_000059.4(BRCA2):c.2988_2991dup (p.Gly998fs)

Gene: BRCA2 (BRCA2 DNA repair associated; plus strand). Cytogenetic location: 13q13.1.
Variant type: Duplication.
Coding change: c.2988_2991dup on transcript NM_000059.4 (MANE Select); coding-DNA positions 2988 to 2991, 4 bases duplicated (CTTA; older notation c.2988_2991dupCTTA).
Protein change: p.Gly998fs; shifts the reading frame from glycine 998.
Molecular consequence: frameshift variant.
Genome position (GRCh38, 1-based): chr13:32,337,343-32,337,346, CTTA duplicated. VCF-style (leftmost placement, unchanged base first): chr13-32337342-T-TCTTA. GRCh37 (hg19) VCF-style: chr13-32911479-T-TCTTA.
Other names: c.2988_2991dup, p.Gly998Leufs (NM_001406719.1, NM_001406720.1); short protein forms G998fs.
Identifiers: ClinVar variation 2032517 (VCV002032517.4), dbSNP rs2548524999, ClinGen allele CA2580086909.

ClinVar aggregate classification (germline): Pathogenic (1 of 4 stars; one submission).

Conditions:
Hereditary breast ovarian cancer syndrome. Also called: Hereditary breast and/or ovarian cancer syndrome; BRCA1- and BRCA2-Associated Hereditary Breast and Ovarian Cancer; Breast and ovarian cancer; Hereditary breast and ovarian cancer; Hereditary breast and ovarian cancer syndrome (HBOC); Hereditary breast and ovarian cancer syndrome. Identifiers: Orphanet 145, MedGen C0677776, MeSH D061325, MONDO:0003582. Disease mechanism: loss of function.

Submission:

Labcorp Genetics (formerly Invitae), Labcorp
Classification: Pathogenic for Hereditary breast ovarian cancer syndrome. Last evaluated: 2022-09-25. Review status: criteria provided, single submitter. Criteria: Invitae Variant Classification Sherloc (09022015). Collection method: clinical testing. Allele origin: germline.
Comment: This sequence change creates a premature translational stop signal (p.Gly998Leufs*12) in the BRCA2 gene. It is expected to result in an absent or disrupted protein product. Loss-of-function variants in BRCA2 are known to be pathogenic (PMID: 20104584). This variant is not present in population databases (gnomAD no frequency). This variant has not been reported in the literature in individuals affected with BRCA2-related conditions. For these reasons, this variant has been classified as Pathogenic.

Literature cited by the submitters: PubMed 20104584.